The following is an entry in ClinVar:

ClinVar aggregate classification (germline): Uncertain significance (1 of 4 stars; one submission).

Conditions:
Spastic paraplegia. Identifiers: MedGen C0037772, HP:0001258.

Submission:

Labcorp Genetics (formerly Invitae), Labcorp
Classification: Uncertain significance for Spastic paraplegia. Last evaluated: 2025-09-23. Review status: criteria provided, single submitter. Criteria: Invitae Variant Classification Sherloc (09022015). Collection method: clinical testing. Allele origin: germline.
Comment: This sequence change replaces glycine, which is neutral and non-polar, with serine, which is neutral and polar, at codon 168 of the KIF5A protein (p.Gly168Ser). This variant is not present in population databases (gnomAD no frequency). This variant has not been reported in the literature in individuals affected with KIF5A-related conditions. ClinVar contains an entry for this variant (Variation ID: 1509884). An algorithm developed to predict the effect of missense changes on protein structure and function (PolyPhen-2) suggests that this variant is likely to be disruptive. In summary, the available evidence is currently insufficient to determine the role of this variant in disease. Therefore, it has been classified as a Variant of Uncertain Significance.

NM_004984.4(KIF5A):c.502G>A (p.Gly168Ser)

Gene: KIF5A (kinesin family member 5A; plus strand). Cytogenetic location: 12q13.3.
Variant type: single nucleotide variant.
Coding change: c.502G>A on transcript NM_004984.4 (MANE Select); coding-DNA position 502, G replaced by A.
Protein change: p.Gly168Ser; replaces glycine 168 with serine.
Molecular consequence: missense variant.
Genome position (GRCh38, 1-based): chr12:57,567,126, G>A. VCF-style: chr12-57567126-G-A. GRCh37 (hg19) VCF-style: chr12-57960909-G-A.
Other names: c.235G>A, p.Gly79Ser (NM_001354705.2); short protein forms G168S, G79S.
Identifiers: ClinVar variation 1509884 (VCV001509884.8), dbSNP rs2140161194, ClinGen allele CA385497525.